The following is an entry in ClinVar:

ClinVar aggregate classification (germline): Uncertain significance (1 of 4 stars; one submission).

Submission:

Labcorp Genetics (formerly Invitae), Labcorp
Classification: Uncertain significance. Last evaluated: 2025-11-17. Review status: criteria provided, single submitter. Criteria: Invitae Variant Classification Sherloc (09022015). Collection method: clinical testing. Allele origin: germline.
Comment: This sequence change replaces lysine, which is basic and polar, with asparagine, which is neutral and polar, at codon 535 of the BRD4 protein (p.Lys535Asn). This variant is not present in population databases (gnomAD no frequency). This variant has not been reported in the literature in individuals affected with BRD4-related conditions. Invitae Evidence Modeling of protein sequence and biophysical properties (such as structural, functional, and spatial information, amino acid conservation, physicochemical variation, residue mobility, and thermodynamic stability) has been performed for this missense variant. However, the output from this modeling did not meet the statistical confidence thresholds required to predict the impact of this variant on BRD4 protein function. In summary, the available evidence is currently insufficient to determine the role of this variant in disease. Therefore, it has been classified as a Variant of Uncertain Significance.

NM_001379291.1(BRD4):c.1605A>C (p.Lys535Asn)

Gene: BRD4 (bromodomain containing 4; minus strand). Cytogenetic location: 19p13.12.
Variant type: single nucleotide variant.
Coding change: c.1605A>C on transcript NM_001379291.1 (MANE Select); coding-DNA position 1605, A replaced by C.
Protein change: p.Lys535Asn; replaces lysine 535 with asparagine.
Molecular consequence: missense variant.
Genome position (GRCh38, 1-based): chr19:15,256,210, T>G on the plus strand (A>C on the coding strand, the complement: BRD4 is on the minus strand). VCF-style: chr19-15256210-T-G. GRCh37 (hg19) VCF-style: chr19-15367021-T-G.
Other names: c.1605A>C, p.Lys535Asn (NM_001330384.2, NM_001379292.1, NM_014299.3 and 1 more transcripts); short protein forms K535N.
Identifiers: ClinVar variation 4740480 (VCV004740480.1).
Genomic context (GRCh38, chr19:15,256,210, plus strand): 5'-CTCTTTCCTTTTGTGCTTTTCTTTTTTCTTTTCCTTCTTGTCTTTCTCCTTTTTCTTTGG[T>G]TTGTTCTGCTGGGGCTGAGAGAGGGCTGCAAGCTGCTCGTGCACGGCTTTGAGCTGTAGA-3'
Protein context (NP_001366220.1, residues 525-545): LAALSQPQQN[Lys535Asn]PKKKEKDKKE